The following is an entry in ClinVar:

NM_001378418.1(TCF20):c.3068G>A (p.Ser1023Asn)

Gene: TCF20 (transcription factor 20; minus strand). Cytogenetic location: 22q13.2.
Variant type: single nucleotide variant.
Coding change: c.3068G>A on transcript NM_001378418.1 (MANE Select); coding-DNA position 3068, G replaced by A.
Protein change: p.Ser1023Asn; replaces serine 1023 with asparagine.
Molecular consequence: missense variant.
Genome position (GRCh38, 1-based): chr22:42,212,238, C>T on the plus strand (G>A on the coding strand, the complement: TCF20 is on the minus strand). VCF-style: chr22-42212238-C-T. GRCh37 (hg19) VCF-style: chr22-42608244-C-T.
Other names: c.3068G>A, p.Ser1023Asn (NM_005650.4, NM_181492.3); short protein forms S1023N.
Identifiers: ClinVar variation 3628227 (VCV003628227.2).

ClinVar aggregate classification (germline): Uncertain significance (1 of 4 stars; one submission).

gnomAD v4.1: 8 of 1,614,214 alleles (0.0005%); highest among the groups gnomAD compares: African/African-American, 0.0027%; no homozygotes.

Submission:

Labcorp Genetics (formerly Invitae), Labcorp
Classification: Uncertain significance. Last evaluated: 2025-12-24. Review status: criteria provided, single submitter. Criteria: Invitae Variant Classification Sherloc (09022015). Collection method: clinical testing. Allele origin: germline.
Comment: This sequence change replaces serine, which is neutral and polar, with asparagine, which is neutral and polar, at codon 1023 of the TCF20 protein (p.Ser1023Asn). This variant is present in population databases (no rsID available, gnomAD 0.007%). This variant has not been reported in the literature in individuals affected with TCF20-related conditions. ClinVar contains an entry for this variant (Variation ID: 3628227). An algorithm developed to predict the effect of missense changes on protein structure and function (PolyPhen-2) suggests that this variant is likely to be disruptive. In summary, the available evidence is currently insufficient to determine the role of this variant in disease. Therefore, it has been classified as a Variant of Uncertain Significance.